The following is an entry in ClinVar:

NM_002334.4(LRP4):c.4905C>T (p.Phe1635=)

Genes: LRP4-AS1 (LRP4 antisense RNA 1; plus strand), LRP4 (LDL receptor related protein 4; minus strand). Cytogenetic location: 11p11.2.
Variant type: single nucleotide variant.
Coding change: c.4905C>T on transcript NM_002334.4 (MANE Select); coding-DNA position 4905, C replaced by T.
Protein change: p.Phe1635=; no amino-acid change (phenylalanine 1635 retained).
Molecular consequence: synonymous variant.
Genome position (GRCh38, 1-based): chr11:46,868,646, G>A on the plus strand (C>T on the coding strand, the complement: LRP4 is on the minus strand). VCF-style: chr11-46868646-G-A. GRCh37 (hg19) VCF-style: chr11-46890197-G-A.
Other names: p.Phe1635=.
Identifiers: ClinVar variation 304853 (VCV000304853.19), dbSNP rs2290883, ClinGen allele CA5969210.

ClinVar aggregate classification (germline): Benign. Review status: criteria provided, multiple submitters, no conflicts (2 of 4 stars). 5 submissions from 5 submitters: Benign (5). Last evaluated 2026-02-03.

Conditions:
Cenani-Lenz syndactyly syndrome. Also called: CENANI SYNDACTYLISM; SYNDACTYLY, TYPE VII. Identifiers: Orphanet 3258, MedGen C1859309, MONDO:0008931, OMIM 212780.
Congenital myasthenic syndrome 17. Identifiers: Orphanet 590, MedGen C4225377, MONDO:0014578, OMIM 616304.
Sclerosteosis 2 (SOST2). Identifiers: Orphanet 3152, MedGen C3280402, MONDO:0013679, OMIM 614305.

Allele frequency attached by ClinVar (database versions not stated): ESP Exome Variant Server 0.09231; gnomAD 0.12958 and 0.13936; TOPMed 0.13730; gnomAD exomes 0.15725 and 0.20926; ExAC 0.19476; 1000 Genomes Project 30x 0.20815; 1000 Genomes Project 0.21925.
gnomAD v4.1: 250,501 of 1,613,984 alleles (16%); highest among the groups gnomAD compares: East Asian, 62%; 27,695 homozygotes.

Submissions (5):

Labcorp Genetics (formerly Invitae), Labcorp
Classification: Benign for Cenani-Lenz syndactyly syndrome; Sclerosteosis 2; Congenital myasthenic syndrome 17. Last evaluated: 2026-02-03. Review status: criteria provided, single submitter. Criteria: Invitae Variant Classification Sherloc (09022015). Collection method: clinical testing. Allele origin: germline.

GeneDx
Classification: Benign. Last evaluated: 2018-07-18. Review status: criteria provided, single submitter. Criteria: GeneDx Variant Classification Process June 2021. Collection method: clinical testing. Allele origin: germline. Affected: yes.

Mayo Clinic Laboratories, Mayo Clinic
Classification: Benign. Last evaluated: 2017-07-21. Review status: criteria provided, single submitter. Criteria: ACMG Guidelines, 2015. Collection method: clinical testing. Allele origin: germline. Observed: 119 variant alleles.

Illumina Laboratory Services, Illumina
Classification: Benign for Cenani-Lenz syndactyly syndrome. Last evaluated: 2017-04-27. Review status: criteria provided, single submitter. Criteria: ICSL Variant Classification Criteria 13 December 2019. Collection method: clinical testing. Allele origin: germline.
Comment: This variant was observed as part of a predisposition screen in an ostensibly healthy population. A literature search was performed for the gene, cDNA change, and amino acid change (where applicable). No publications were found based on this search. Allele frequency data from public databases was too high to be consistent with this variant causing disease. Therefore, this variant is classified as benign.

Breakthrough Genomics
Classification: Benign. Review status: criteria provided, single submitter. Criteria: ACMG Guidelines, 2015. Collection method: not provided. Allele origin: germline. Inheritance: Autosomal recessive inheritance. Affected: yes.